The following is an entry in ClinVar:

ClinVar aggregate classification (germline): Pathogenic (1 of 4 stars; one submission).

Conditions:
Myofibrillar myopathy 4. Also called: Zaspopathy (type). Identifiers: Orphanet 98912, MedGen C4721886, MONDO:0012277, OMIM 609452.

Submission:

Labcorp Genetics (formerly Invitae), Labcorp
Classification: Pathogenic for Myofibrillar myopathy 4. Last evaluated: 2025-04-07. Review status: criteria provided, single submitter. Criteria: Invitae Variant Classification Sherloc (09022015). Collection method: clinical testing. Allele origin: germline.
Comment: The LDB3 gene has multiple clinically relevant transcripts. This variant occurs in alternate transcript NM_007078.3, and corresponds to NM_001080116.1:c.*17396del in the primary transcript. This sequence change creates a premature translational stop signal (p.Arg559Glyfs*6) in the LDB3 gene. It is expected to result in an absent or disrupted protein product. Loss-of-function variants in LDB3 are known to be pathogenic (PMID: 36253531). This variant is not present in population databases (gnomAD no frequency). This variant has not been reported in the literature in individuals affected with LDB3-related conditions. For these reasons, this variant has been classified as Pathogenic.

Literature cited by the submitters: PubMed 36253531.

NM_007078.3(LDB3):c.1675del (p.Arg559fs)

Gene: LDB3 (LIM domain binding 3; plus strand). Cytogenetic location: 10q23.2.
Variant type: Deletion.
Coding change: c.1675del on transcript NM_007078.3 (MANE Select); coding-DNA position 1675, one base deleted (C; older notation c.1675delC).
Protein change: p.Arg559fs; shifts the reading frame from arginine 559.
Molecular consequence: frameshift variant.
Genome position (GRCh38, 1-based): chr10:86,716,770, C deleted; the last of 2 consecutive C bases (chr10:86,716,769-86,716,770); deleting either gives the same sequence. VCF-style (leftmost placement, unchanged base first): chr10-86716768-TC-T. GRCh37 (hg19) VCF-style: chr10-88476525-TC-T.
Other names: c.1345del, p.Arg449fs (NM_001080114.2); c.1690del, p.Arg564fs (NM_001171610.2); c.1486del, p.Arg496fs (NM_001368064.1, NM_001368065.1); c.1534del, p.Arg512fs (NM_001368066.1); short protein forms R564fs, R559fs, R449fs, R496fs, R512fs.
Identifiers: ClinVar variation 3666400 (VCV003666400.2).